The following is an entry in ClinVar:

ClinVar aggregate classification (germline): Likely benign. Review status: criteria provided, multiple submitters, no conflicts (2 of 4 stars). 2 submissions from 2 submitters: Likely benign (2). Last evaluated 2026-02-01.

gnomAD v4.1: 3 of 1,601,834 alleles (0.00019%); highest among the groups gnomAD compares: Non-Finnish European, 0.00025%; no homozygotes.

Submissions (2):

CeGaT Center for Human Genetics Tuebingen
Classification: Likely benign. Last evaluated: 2026-02-01. Review status: criteria provided, single submitter. Criteria: CeGaT Center For Human Genetics Tuebingen Variant Classification Criteria Version 2. Collection method: clinical testing. Allele origin: germline. Affected: yes. Observed: 1 variant allele.
Comment: NOVA2: BP4, BP7

Blueprint Genetics
Classification: Likely benign. Last evaluated: 2024-01-03. Review status: criteria provided, single submitter. Criteria: ACMG Guidelines, 2015. Collection method: clinical testing. Allele origin: germline.

NM_002516.4(NOVA2):c.405G>A (p.Leu135=)

Gene: NOVA2 (NOVA alternative splicing regulator 2; minus strand). Cytogenetic location: 19q13.32.
Variant type: single nucleotide variant.
Coding change: c.405G>A on transcript NM_002516.4 (MANE Select); coding-DNA position 405, G replaced by A.
Protein change: p.Leu135=; no amino-acid change (leucine 135 retained).
Molecular consequence: synonymous variant.
Genome position (GRCh38, 1-based): chr19:45,940,937, C>T on the plus strand (G>A on the coding strand, the complement: NOVA2 is on the minus strand). VCF-style: chr19-45940937-C-T. GRCh37 (hg19) VCF-style: chr19-46444195-C-T.
Identifiers: ClinVar variation 4822458 (VCV004822458.5).